The following is an entry in ClinVar:

ClinVar aggregate classification (germline): Uncertain significance (1 of 4 stars; one submission).

Conditions:
Hereditary sensory and autonomic neuropathy with spastic paraplegia (HSNSP). Identifiers: Orphanet 139578, MedGen C1850395, MONDO:0009748, OMIM 256840.

gnomAD v4.1: 19 of 1,613,978 alleles (0.0012%); highest among the groups gnomAD compares: Admixed American, 0.023%; no homozygotes.

Submission:

Labcorp Genetics (formerly Invitae), Labcorp
Classification: Uncertain significance for Hereditary sensory and autonomic neuropathy with spastic paraplegia. Last evaluated: 2025-09-05. Review status: criteria provided, single submitter. Criteria: Invitae Variant Classification Sherloc (09022015). Collection method: clinical testing. Allele origin: germline.
Comment: This sequence change replaces histidine, which is basic and polar, with glutamine, which is neutral and polar, at codon 147 of the CCT5 protein (p.His147Gln). This variant is present in population databases (rs770321570, gnomAD 0.04%). This variant has not been reported in the literature in individuals affected with CCT5-related conditions. ClinVar contains an entry for this variant (Variation ID: 3716502). Invitae Evidence Modeling of protein sequence and biophysical properties (such as structural, functional, and spatial information, amino acid conservation, physicochemical variation, residue mobility, and thermodynamic stability) indicates that this missense variant is not expected to disrupt CCT5 protein function with a negative predictive value of 80%. In summary, the available evidence is currently insufficient to determine the role of this variant in disease. Therefore, it has been classified as a Variant of Uncertain Significance.

NM_012073.5(CCT5):c.441C>G (p.His147Gln)

Gene: CCT5 (chaperonin containing TCP1 subunit 5; plus strand). Cytogenetic location: 5p15.2.
Variant type: single nucleotide variant.
Coding change: c.441C>G on transcript NM_012073.5 (MANE Select); coding-DNA position 441, C replaced by G.
Protein change: p.His147Gln; replaces histidine 147 with glutamine.
Molecular consequence: missense variant.
Genome position (GRCh38, 1-based): chr5:10,256,064, C>G. VCF-style: chr5-10256064-C-G. GRCh37 (hg19) VCF-style: chr5-10256176-C-G.
Other names: c.378C>G, p.His126Gln (NM_001306153.1); c.276C>G, p.His92Gln (NM_001306154.2); c.162C>G, p.His54Gln (NM_001306155.2); c.327C>G, p.His109Gln (NM_001306156.2); short protein forms H147Q, H54Q, H109Q, H126Q, H92Q.
Identifiers: ClinVar variation 3716502 (VCV003716502.2).